The following is an entry in ClinVar:

ClinVar aggregate classification (germline): Uncertain significance. Review status: criteria provided, multiple submitters, no conflicts (2 of 4 stars). 2 submissions from 2 submitters: Uncertain significance (2). Last evaluated 2025-03-06.

Conditions:
Inborn genetic diseases. Identifiers: MedGen C0950123, MeSH D030342.

Submissions (2):

Ambry Genetics
Classification: Uncertain significance for Inborn genetic diseases. Last evaluated: 2025-03-06. Review status: criteria provided, single submitter. Criteria: Ambry Variant Classification Scheme 2023. Collection method: clinical testing. Allele origin: germline.
Comment: The p.R49S variant (also known as c.145C>A), located in coding exon 2 of the ETV6 gene, results from a C to A substitution at nucleotide position 145. The arginine at codon 49 is replaced by serine, an amino acid with dissimilar properties. This amino acid position is conserved. In addition, this alteration is predicted to be tolerated by in silico analysis. Based on the available evidence, the clinical significance of this variant remains unclear.

Labcorp Genetics (formerly Invitae), Labcorp
Classification: Uncertain significance. Last evaluated: 2023-07-26. Review status: criteria provided, single submitter. Criteria: Invitae Variant Classification Sherloc (09022015). Collection method: clinical testing. Allele origin: germline.
Comment: This sequence change replaces arginine, which is basic and polar, with serine, which is neutral and polar, at codon 49 of the ETV6 protein (p.Arg49Ser). This variant is not present in population databases (gnomAD no frequency). This variant has not been reported in the literature in individuals affected with ETV6-related conditions. Advanced modeling of protein sequence and biophysical properties (such as structural, functional, and spatial information, amino acid conservation, physicochemical variation, residue mobility, and thermodynamic stability) performed at Invitae indicates that this missense variant is not expected to disrupt ETV6 protein function. In summary, the available evidence is currently insufficient to determine the role of this variant in disease. Therefore, it has been classified as a Variant of Uncertain Significance.

NM_001987.5(ETV6):c.145C>A (p.Arg49Ser)

Gene: ETV6 (ETS variant transcription factor 6; plus strand). Cytogenetic location: 12p13.2.
Variant type: single nucleotide variant.
Coding change: c.145C>A on transcript NM_001987.5 (MANE Select); coding-DNA position 145, C replaced by A.
Protein change: p.Arg49Ser; replaces arginine 49 with serine.
Molecular consequence: missense variant. On other transcripts: intron variant (1).
Genome position (GRCh38, 1-based): chr12:11,752,561, C>A. VCF-style: chr12-11752561-C-A. GRCh37 (hg19) VCF-style: chr12-11905495-C-A.
Other names: c.142C>A, p.Arg48Ser (NM_001413913.1); c.118C>A, p.Arg40Ser (NM_001413914.1); c.145C>A, p.Arg49Ser (NM_001413916.1, NM_001413917.1, NM_001413918.1); c.-101-86579C>A (NM_001413915.1); short protein forms R40S, R48S, R49S.
Identifiers: ClinVar variation 2747036 (VCV002747036.4), dbSNP rs768891310, ClinGen allele CA384041840.